The following is an entry in ClinVar:

ClinVar aggregate classification (germline): Uncertain significance (1 of 4 stars; one submission).

Conditions:
Cardiovascular phenotype. Identifiers: MedGen CN230736.

Submission:

Ambry Genetics
Classification: Uncertain significance for Cardiovascular phenotype. Last evaluated: 2023-05-21. Review status: criteria provided, single submitter. Criteria: Ambry Variant Classification Scheme 2023. Collection method: clinical testing. Allele origin: germline.
Comment: The p.G46A variant (also known as c.137G>C), located in coding exon 1 of the DSP gene, results from a G to C substitution at nucleotide position 137. The glycine at codon 46 is replaced by alanine, an amino acid with similar properties. This amino acid position is conserved. In addition, this alteration is predicted to be tolerated by in silico analysis. Since supporting evidence is limited at this time, the clinical significance of this alteration remains unclear.

NM_004415.4(DSP):c.137G>C (p.Gly46Ala)

Genes: DSP (desmoplakin; plus strand), DSP-AS1 (DSP antisense RNA 1; minus strand). Cytogenetic location: 6p24.3.
Variant type: single nucleotide variant.
Coding change: c.137G>C on transcript NM_004415.4 (MANE Select); coding-DNA position 137, G replaced by C.
Protein change: p.Gly46Ala; replaces glycine 46 with alanine.
Molecular consequence: missense variant.
Genome position (GRCh38, 1-based): chr6:7,542,052, G>C. VCF-style: chr6-7542052-G-C. GRCh37 (hg19) VCF-style: chr6-7542285-G-C.
Other names: c.137G>C, p.Gly46Ala (NM_001008844.3, NM_001319034.2, NM_001406591.1); short protein forms G46A.
Identifiers: ClinVar variation 2567534 (VCV002567534.2), dbSNP rs140403872, ClinGen allele CA362675922.